The following is an entry in ClinVar:

ClinVar aggregate classification (germline): Uncertain significance. Review status: criteria provided, multiple submitters, no conflicts (2 of 4 stars). 2 submissions from 2 submitters: Uncertain significance (2). Last evaluated 2025-09-05.

Conditions:
Inborn genetic diseases. Identifiers: MedGen C0950123, MeSH D030342.

Submissions (2):

Ambry Genetics
Classification: Uncertain significance for Inborn genetic diseases. Last evaluated: 2025-09-05. Review status: criteria provided, single submitter. Criteria: Ambry Variant Classification Scheme 2023. Collection method: clinical testing. Allele origin: germline.

Labcorp Genetics (formerly Invitae), Labcorp
Classification: Uncertain significance. Last evaluated: 2022-11-22. Review status: criteria provided, single submitter. Criteria: Invitae Variant Classification Sherloc (09022015). Collection method: clinical testing. Allele origin: germline.
Comment: ClinVar contains an entry for this variant (Variation ID: 1483744). This missense change has been observed in individual(s) with achromatopsia (Invitae). This variant is not present in population databases (gnomAD no frequency). This sequence change replaces alanine, which is neutral and non-polar, with valine, which is neutral and non-polar, at codon 462 of the PDE6C protein (p.Ala462Val). Advanced modeling of protein sequence and biophysical properties (such as structural, functional, and spatial information, amino acid conservation, physicochemical variation, residue mobility, and thermodynamic stability) performed at Invitae indicates that this missense variant is not expected to disrupt PDE6C protein function. In summary, the available evidence is currently insufficient to determine the role of this variant in disease. Therefore, it has been classified as a Variant of Uncertain Significance.

NM_006204.4(PDE6C):c.1385C>T (p.Ala462Val)

Gene: PDE6C (phosphodiesterase 6C; plus strand). Cytogenetic location: 10q23.33.
Variant type: single nucleotide variant.
Coding change: c.1385C>T on transcript NM_006204.4 (MANE Select); coding-DNA position 1385, C replaced by T.
Protein change: p.Ala462Val; replaces alanine 462 with valine.
Molecular consequence: missense variant.
Genome position (GRCh38, 1-based): chr10:93,635,612, C>T. VCF-style: chr10-93635612-C-T. GRCh37 (hg19) VCF-style: chr10-95395369-C-T.
Other names: c.1385C>T (NM_006204.3); short protein forms A462V.
Identifiers: ClinVar variation 1483744 (VCV001483744.7), dbSNP rs2134607164, ClinGen allele CA377615666.